The following is an entry in ClinVar:

ClinVar aggregate classification (germline): Uncertain significance. Review status: criteria provided, multiple submitters, no conflicts (2 of 4 stars). 3 submissions from 3 submitters: Uncertain significance (2). 1 of the submissions does not count toward it. Last evaluated 2025-10-20.

Allele frequency attached by ClinVar (database versions not stated): gnomAD exomes 0.00001 and 0.00003; gnomAD 0.00003 and 0.00004; TOPMed 0.00003.
gnomAD v4.1: 43 of 1,610,724 alleles (0.0027%); highest among the groups gnomAD compares: Non-Finnish European, 0.0036%; no homozygotes.

Submissions (3):

Labcorp Genetics (formerly Invitae), Labcorp
Classification: Uncertain significance. Last evaluated: 2025-10-20. Review status: criteria provided, single submitter. Criteria: Invitae Variant Classification Sherloc (09022015). Collection method: clinical testing. Allele origin: germline.
Comment: This sequence change replaces lysine, which is basic and polar, with arginine, which is basic and polar, at codon 212 of the OPA1 protein (p.Lys212Arg). This variant is present in population databases (no rsID available, gnomAD 0.003%). This variant has not been reported in the literature in individuals affected with OPA1-related conditions. ClinVar contains an entry for this variant (Variation ID: 1049306). Invitae Evidence Modeling of protein sequence and biophysical properties (such as structural, functional, and spatial information, amino acid conservation, physicochemical variation, residue mobility, and thermodynamic stability) indicates that this missense variant is not expected to disrupt OPA1 protein function with a negative predictive value of 80%. In summary, the available evidence is currently insufficient to determine the role of this variant in disease. Therefore, it has been classified as a Variant of Uncertain Significance.

CeGaT Center for Human Genetics Tuebingen
Classification: Uncertain significance. Last evaluated: 2024-01-01. Review status: criteria provided, single submitter. Criteria: CeGaT Center For Human Genetics Tuebingen Variant Classification Criteria Version 2. Collection method: clinical testing. Allele origin: germline. Affected: yes. Observed: 1 variant allele.
Comment: OPA1: PM2, PP3

Department of Pathology and Laboratory Medicine, Sinai Health System
Classification: Uncertain significance. Review status: no assertion criteria provided. Collection method: clinical testing. Allele origin: unknown. Affected: yes. Study: The Canadian Open Genetics Repository (COGR). Not counted in ClinVar's aggregate classification.
Comment: The OPA1 p.Lys231Arg variant was not identified in the literature nor was it identified in ClinVar, Cosmic or LOVD 3.0. The variant was identified in dbSNP (ID: rs1329385935) and in control databases in 3 of 282344 chromosomes at a frequency of 0.000011 (Genome Aggregation Database Feb 27, 2017). The variant was observed in the European (non-Finnish) population in 3 of 128960 chromosomes (freq: 0.000023), but was not observed in the African, Latino, Ashkenazi Jewish, East Asian, European (Finnish), Other or South Asian populations. The p.Lys231 residue is conserved in mammals but not in more distantly related organisms however four out of five computational analyses (PolyPhen-2, SIFT, AlignGVGD, BLOSUM, MutationTaster) do not suggest a high likelihood of impact to the protein; this information is not predictive enough to rule out pathogenicity. The variant occurs outside of the splicing consensus sequence and in silico or computational prediction software programs (SpliceSiteFinder, MaxEntScan, NNSPLICE, GeneSplicer) do not predict a difference in splicing. In summary, based on the above information the clinical significance of this variant cannot be determined with certainty at this time. This variant is classified as a variant of uncertain significance.

NM_130837.3(OPA1):c.800A>G (p.Lys267Arg)

Gene: OPA1 (OPA1 mitochondrial dynamin like GTPase; plus strand). Cytogenetic location: 3q29.
Variant type: single nucleotide variant.
Coding change: c.800A>G on transcript NM_130837.3 (MANE Select); coding-DNA position 800, A replaced by G.
Protein change: p.Lys267Arg; replaces lysine 267 with arginine.
Molecular consequence: missense variant.
Genome position (GRCh38, 1-based): chr3:193,631,622, A>G. VCF-style: chr3-193631622-A-G. GRCh37 (hg19) VCF-style: chr3-193349411-A-G.
Other names: c.266A>G, p.Lys89Arg (NM_001354663.2); c.263A>G, p.Lys88Arg (NM_001354664.2); c.635A>G, p.Lys212Arg (NM_015560.3); c.527A>G, p.Lys176Arg (NM_130831.3); c.581A>G, p.Lys194Arg (NM_130832.3); c.638A>G, p.Lys213Arg (NM_130833.3); c.689A>G, p.Lys230Arg (NM_130834.3); c.692A>G, p.Lys231Arg (NM_130835.3); and 1 more; short protein forms K176R, K194R, K212R, K213R, K230R, K231R, K249R, K267R.
Identifiers: ClinVar variation 1049306 (VCV001049306.29), dbSNP rs1329385935, ClinGen allele CA355785862.